The following is an entry in ClinVar:

ClinVar aggregate classification (germline): Likely benign (1 of 4 stars; one submission).

Allele frequency attached by ClinVar (database versions not stated): 1000 Genomes Project 0.00040; 1000 Genomes Project 30x 0.00078; ExAC 0.00123; gnomAD 0.00130; ESP Exome Variant Server 0.00185; gnomAD exomes 0.00187.
gnomAD v4.1: 2,881 of 1,612,988 alleles (0.18%); highest among the groups gnomAD compares: Non-Finnish European, 0.23%; 22 homozygotes.

Submission:

CeGaT Center for Human Genetics Tuebingen
Classification: Likely benign. Last evaluated: 2023-09-01. Review status: criteria provided, single submitter. Criteria: CeGaT Center For Human Genetics Tuebingen Variant Classification Criteria Version 2. Collection method: clinical testing. Allele origin: germline. Affected: yes. Observed: 1 variant allele.
Comment: ATAD3B: BP4, BS2

NM_031921.6(ATAD3B):c.1816T>C (p.Cys606Arg)

Gene: ATAD3B (ATPase family AAA domain containing 3B; plus strand). Cytogenetic location: 1p36.33.
Variant type: single nucleotide variant.
Coding change: c.1816T>C on transcript NM_031921.6 (MANE Select); coding-DNA position 1816, T replaced by C.
Protein change: p.Cys606Arg; replaces cysteine 606 with arginine.
Molecular consequence: missense variant.
Genome position (GRCh38, 1-based): chr1:1,495,686, T>C. VCF-style: chr1-1495686-T-C. GRCh37 (hg19) VCF-style: chr1-1431066-T-C.
Other names: c.1678T>C, p.Cys560Arg (NM_001317238.2); short protein forms C560R, C606R.
Identifiers: ClinVar variation 2638018 (VCV002638018.24), dbSNP rs150201453, ClinGen allele CA525383.